The following is an entry in ClinVar:

NM_003560.4(PLA2G6):c.2276+1G>C

Gene: PLA2G6 (phospholipase A2 group VI; minus strand). Cytogenetic location: 22q13.1.
Variant type: single nucleotide variant.
Coding change: c.2276+1G>C on transcript NM_003560.4 (MANE Select); the canonical splice donor site of the intron after coding-DNA position 2276, G replaced by C.
Molecular consequence: splice donor variant.
Genome position (GRCh38, 1-based): chr22:38,112,503, C>G on the plus strand (G>C on the coding strand, the complement: PLA2G6 is on the minus strand). VCF-style: chr22-38112503-C-G. GRCh37 (hg19) VCF-style: chr22-38508510-C-G.
Other names: c.1598+1G>C (NM_001349868.2); c.2114+1G>C (NM_001349866.2, NM_001199562.3, NM_001349865.2 and 1 more transcripts); c.1580+1G>C (NM_001349869.2); c.1742+1G>C (NM_001349867.2); c.2276+1G>C (NM_001349864.2).
Identifiers: ClinVar variation 2709169 (VCV002709169.3), dbSNP rs1397030516, ClinGen allele CA411523277.

ClinVar aggregate classification (germline): Pathogenic (1 of 4 stars; one submission).

Conditions:
Infantile neuroaxonal dystrophy (NBIA2A). Also called: NEURODEGENERATION WITH BRAIN IRON ACCUMULATION 2A; SEITELBERGER DISEASE; Infantile neuroaxonal dystrophy 1. Identifiers: Orphanet 35069, MedGen C0270724, MONDO:0024457, OMIM 256600.

Submission:

Labcorp Genetics (formerly Invitae), Labcorp
Classification: Pathogenic for Infantile neuroaxonal dystrophy. Last evaluated: 2025-02-17. Review status: criteria provided, single submitter. Criteria: Invitae Variant Classification Sherloc (09022015). Collection method: clinical testing. Allele origin: germline.
Comment: This sequence change affects a donor splice site in intron 16 of the PLA2G6 gene. While this variant is not anticipated to result in nonsense mediated decay, it likely alters RNA splicing and results in a disrupted protein product. This variant is not present in population databases (gnomAD no frequency). Disruption of this splice site has been observed in individual(s) with infantile neuroaxonal dystrophy (PMID: 16783378). ClinVar contains an entry for this variant (Variation ID: 2709169). Variants that disrupt the consensus splice site are a relatively common cause of aberrant splicing (PMID: 17576681, 9536098). Algorithms developed to predict the effect of sequence changes on RNA splicing suggest that this variant may disrupt the consensus splice site. This variant disrupts a region of the PLA2G6 protein in which other variant(s) (p.Gln797*) have been determined to be pathogenic (PMID: 22934738, 27516098; internal data). This suggests that this is a clinically significant region of the protein, and that variants that disrupt it are likely to be disease-causing. For these reasons, this variant has been classified as Pathogenic.

Literature cited by the submitters: PubMed 16783378; PubMed 17576681; PubMed 9536098; PubMed 22934738; PubMed 27516098.